The following is an entry in ClinVar:

NM_012434.5(SLC17A5):c.533del (p.Thr178fs)

Gene: SLC17A5 (solute carrier family 17 member 5; minus strand). Cytogenetic location: 6q13.
Variant type: Deletion.
Coding change: c.533del on transcript NM_012434.5 (MANE Select); coding-DNA position 533, one base deleted (C; older notation c.533delC).
Protein change: p.Thr178fs; shifts the reading frame from threonine 178.
Molecular consequence: frameshift variant.
Genome position (GRCh38, 1-based): chr6:73,638,492, G deleted on the plus strand (C on the coding strand, the reverse complement: SLC17A5 is on the minus strand). VCF-style (leftmost placement, unchanged base first): chr6-73638491-TG-T. GRCh37 (hg19) VCF-style: chr6-74348214-TG-T.
Other names: p.T178Nfs*34; c.533del (NM_012434.4); c.533delC (NM_012434.5); short protein forms T178fs.
Identifiers: ClinVar variation 167693 (VCV000167693.30), dbSNP rs727504156, ClinGen allele CA234945.

ClinVar aggregate classification (germline): Pathogenic/Likely pathogenic. Review status: criteria provided, multiple submitters, no conflicts (2 of 4 stars). 16 submissions from 15 submitters: Pathogenic (11); Likely pathogenic (1). 4 of the submissions do not count toward it. Last evaluated 2025-07-22.

Conditions:
Salla disease (SD). Also called: Sialuria, Finnish type; N-acetylneuraminic acid (NANA) storage disease (NSD); Infantile sialic acid storage disorder (ISSD); Less Severe FSASD (Salla Disease). Identifiers: Orphanet 309334, Orphanet 834, MedGen C1096903, MONDO:0011449, OMIM 604369.
Sialic acid storage disease, severe infantile type (ISSD). Also called: Infantile Sialic Acid Storage Disease; Free sialic acid storage disease, infantile form; N-ACETYLNEURAMINIC ACID STORAGE DISEASE; NANA STORAGE DISEASE; SIALURIA, INFANTILE FORM; INFANTILE SIALIC ACID STORAGE DISORDER. Identifiers: Orphanet 309324, Orphanet 834, MedGen C1096902, MONDO:0010027, OMIM 269920.
SLC17A5-related disorder. Also called: SLC17A5-related condition; SLC17A5-related disorders.

Allele frequency attached by ClinVar (database versions not stated): gnomAD exomes 0.00005 and 0.00006; gnomAD 0.00006; TOPMed 0.00006; ExAC 0.00007; ESP Exome Variant Server 0.00024.

Submissions (16):

Natera, Inc.
Classification: Pathogenic for Salla disease. Last evaluated: 2025-07-22. Review status: criteria provided, single submitter. Criteria: Natera Variant Classification Schema (03/2026). Collection method: clinical testing. Allele origin: germline.
Comment: The c.533delC variant in SLC17A5 is a frameshift variant predicted to shift the reading frame beginning at codon 178 and leads to a stop codon 34 codons downstream. This variant is expected to result in nonsense mediated decay, truncation, or a dysfunctional protein product. This variant is rare in the general population with a frequency below the threshold expected for the associated phenotype(s). This variant has been observed in one or more individuals affected with the associated recessive disease, as either homozygous or compound heterozygous with a second variant (PMID: 15805149). Given the available evidence, this variant is classified as Pathogenic.

Labcorp Genetics (formerly Invitae), Labcorp
Classification: Pathogenic for Salla disease. Last evaluated: 2024-12-26. Review status: criteria provided, single submitter. Criteria: Invitae Variant Classification Sherloc (09022015). Collection method: clinical testing. Allele origin: germline.
Comment: This sequence change creates a premature translational stop signal (p.Thr178Asnfs*34) in the SLC17A5 gene. It is expected to result in an absent or disrupted protein product. Loss-of-function variants in SLC17A5 are known to be pathogenic (PMID: 10581036, 10947946, 15172001). This variant is present in population databases (rs727504156, gnomAD 0.01%). This premature translational stop signal has been observed in individuals with sialic acid storage disorders (PMID: 10581036, 15805149). ClinVar contains an entry for this variant (Variation ID: 167693). Algorithms developed to predict the effect of sequence changes on RNA splicing suggest that this variant may disrupt the consensus splice site. For these reasons, this variant has been classified as Pathogenic.

Baylor Genetics
Classification: Pathogenic for Salla disease. Last evaluated: 2024-03-12. Review status: criteria provided, single submitter. Criteria: ACMG Guidelines, 2015. Collection method: clinical testing. Allele origin: unknown.

Fulgent Genetics
Classification: Pathogenic for Sialic acid storage disease, severe infantile type; Salla disease. Last evaluated: 2024-02-13. Review status: criteria provided, single submitter. Criteria: ACMG Guidelines, 2015. Collection method: clinical testing. Allele origin: germline.

Blueprint Genetics
Classification: Pathogenic for SLC17A5-related disorders. Last evaluated: 2023-01-26. Review status: criteria provided, single submitter. Criteria: ACMG Guidelines, 2015. Collection method: clinical testing. Allele origin: germline. Affected: yes. Observed: 5 variant alleles.

Genome-Nilou Lab
Classification: Pathogenic for Salla disease. Last evaluated: 2021-09-05. Review status: criteria provided, single submitter. Criteria: ACMG Guidelines, 2015. Collection method: clinical testing. Allele origin: germline. Affected: no.

Revvity Omics, Revvity
Classification: Likely pathogenic. Last evaluated: 2021-06-24. Review status: criteria provided, single submitter. Criteria: ACMG Guidelines, 2015. Collection method: clinical testing. Allele origin: germline.

Institute of Medical Genetics and Applied Genomics, University Hospital Tübingen
Classification: Pathogenic. Last evaluated: 2021-02-01. Review status: criteria provided, single submitter. Criteria: ACMG Guidelines, 2015. Collection method: clinical testing. Allele origin: germline. Inheritance: Autosomal recessive inheritance. Affected: yes.

Genomic Medicine Lab, University of California San Francisco
Classification: Pathogenic for Salla disease. Last evaluated: 2020-06-04. Review status: criteria provided, single submitter. Criteria: ACMG Guidelines, 2015. Collection method: clinical testing. Allele origin: maternal. Inheritance: Autosomal recessive inheritance. Affected: yes. Study: CSER-P3EGS.

GeneDx
Classification: Pathogenic. Last evaluated: 2019-08-07. Review status: criteria provided, single submitter. Criteria: GeneDx Variant Classification Process June 2021. Collection method: clinical testing. Allele origin: germline. Affected: yes.
Comment: Published functional studies demonstrate a damaging effect in deficiency of lysosomal transport (Mancini et al., 1991); Frameshift variant predicted to result in protein truncation or nonsense mediated decay in a gene for which loss-of-function is a known mechanism of disease; Not observed at a significant frequency in large population cohorts (Lek et al., 2016); This variant is associated with the following publications: (PMID: 2010546, 10947946, 12709150, 15805149, 10581036, 31589614)

Women's Health and Genetics/Laboratory Corporation of America, LabCorp
Classification: Pathogenic for Salla disease. Last evaluated: 2017-07-17. Review status: criteria provided, single submitter. Criteria: LabCorp Variant Classification Summary - May 2015. Collection method: clinical testing. Allele origin: germline.
Comment: Variant summary: The SLC17A5 c.533delC (p.Thr178Asnfs) variant results in a premature termination codon, predicted to cause a truncated or absent SLC17A5 protein due to nonsense mediated decay, which are commonly known mechanisms for disease. This variant was found in 8/118852 control chromosomes at a frequency of 0.0000673, which does not exceed the estimated maximal expected allele frequency of a pathogenic SLC17A5 variant (0.0023717). Multiple publications have cited the variant in compound heterozygote affected individuals. In addition, multiple clinical diagnostic laboratories/reputable databases classified this variant as pathogenic. Taken together, this variant is classified as pathogenic.

Eurofins Ntd Llc (ga)
Classification: Pathogenic. Last evaluated: 2013-12-11. Review status: criteria provided, single submitter. Criteria: EGL Classification Definitions 2015. Collection method: clinical testing. Allele origin: germline. Observed: 2 variant alleles, 2 heterozygotes.

Undiagnosed Diseases Network, NIH
Classification: Pathogenic for Sialic acid storage disease, severe infantile type. Last evaluated: 2022-06-21. Review status: no assertion criteria provided. Collection method: clinical testing. Allele origin: maternal. Affected: yes. Observed: 2 variant alleles, 1 heterozygote, 1 compound heterozygote. Study: Undiagnosed Diseases Network (NIH), UDN. Not counted in ClinVar's aggregate classification.

Counsyl
Classification: Likely pathogenic for Salla disease. Last evaluated: 2017-09-22. Review status: no assertion criteria provided. Collection method: clinical testing. Allele origin: unknown. Not counted in ClinVar's aggregate classification.

OMIM
Classification: Pathogenic for INFANTILE SIALIC ACID STORAGE DISORDER. Last evaluated: 1999-12-01. Review status: no assertion criteria provided. Collection method: literature only. Allele origin: germline. Not counted in ClinVar's aggregate classification.

OMIM
Classification: Pathogenic for SALLA DISEASE. Last evaluated: 1999-12-01. Review status: no assertion criteria provided. Collection method: literature only. Allele origin: germline. Not counted in ClinVar's aggregate classification.

Literature cited by the submitters: PubMed 15805149 (cited by 4 submitters); PubMed 10581036 (cited by 5 submitters); PubMed 10947946 (cited by Labcorp Genetics (formerly Invitae), Labcorp and Women's Health and Genetics/Laboratory Corporation of America, LabCorp); PubMed 15172001 (cited by Labcorp Genetics (formerly Invitae), Labcorp); PubMed 12709150 (cited by Women's Health and Genetics/Laboratory Corporation of America, LabCorp); PubMed 2010546 (cited by OMIM); PubMed 39742826 (cited by OMIM).